The following is an entry in ClinVar:

ClinVar aggregate classification (germline): Uncertain significance. Review status: criteria provided, multiple submitters, no conflicts (2 of 4 stars). 2 submissions from 2 submitters: Uncertain significance (2). Last evaluated 2023-12-26.

Conditions:
Familial hypocalciuric hypercalcemia (FHH). Also called: Familial benign hypercalcemia. Identifiers: Orphanet 405, MedGen C1809471, MONDO:0018458.
Autosomal dominant hypocalcemia 1 (HYPOC1). Also called: HYPOCALCEMIA, FAMILIAL. Identifiers: MedGen C3715128, MONDO:0011013, OMIM 601198.
Nephrolithiasis/nephrocalcinosis. Identifiers: MedGen CN580796.

Submissions (2):

Ambry Genetics
Classification: Uncertain significance for Nephrolithiasis/nephrocalcinosis. Last evaluated: 2023-12-26. Review status: criteria provided, single submitter. Criteria: Ambry Variant Classification Scheme 2023. Collection method: clinical testing. Allele origin: germline.
Comment: The p.H429R variant (also known as c.1286A>G), located in coding exon 3 of the CASR gene, results from an A to G substitution at nucleotide position 1286. The histidine at codon 429 is replaced by arginine, an amino acid with highly similar properties. This amino acid position is conserved. In addition, this alteration is predicted to be deleterious by in silico analysis. Since supporting evidence is limited at this time, the clinical significance of this alteration remains unclear.

Labcorp Genetics (formerly Invitae), Labcorp
Classification: Uncertain significance for Familial hypocalciuric hypercalcemia; Autosomal dominant hypocalcemia 1. Last evaluated: 2021-12-15. Review status: criteria provided, single submitter. Criteria: Invitae Variant Classification Sherloc (09022015). Collection method: clinical testing. Allele origin: germline.
Comment: Algorithms developed to predict the effect of missense changes on protein structure and function are either unavailable or do not agree on the potential impact of this missense change (SIFT: "Deleterious"; PolyPhen-2: "Benign"; Align-GVGD: "Class C0"). In summary, the available evidence is currently insufficient to determine the role of this variant in disease. Therefore, it has been classified as a Variant of Uncertain Significance. This variant has not been reported in the literature in individuals affected with CASR-related conditions. This variant is not present in population databases (gnomAD no frequency). This sequence change replaces histidine, which is basic and polar, with arginine, which is basic and polar, at codon 429 of the CASR protein (p.His429Arg).

NM_000388.4(CASR):c.1286A>G (p.His429Arg)

Gene: CASR (calcium sensing receptor; plus strand). Cytogenetic location: 3q21.1.
Variant type: single nucleotide variant.
Coding change: c.1286A>G on transcript NM_000388.4 (MANE Select); coding-DNA position 1286, A replaced by G.
Protein change: p.His429Arg; replaces histidine 429 with arginine.
Molecular consequence: missense variant.
Genome position (GRCh38, 1-based): chr3:122,262,321, A>G. VCF-style: chr3-122262321-A-G. GRCh37 (hg19) VCF-style: chr3-121981168-A-G.
Other names: c.1286A>G (NM_000388.3); c.1286A>G, p.His429Arg (NM_001178065.2); short protein forms H429R.
Identifiers: ClinVar variation 1915078 (VCV001915078.6), dbSNP rs2473228937, ClinGen allele CA354152997.